The following is an entry in ClinVar:

ClinVar aggregate classification (germline): Conflicting classifications of pathogenicity. Review status: criteria provided, conflicting classifications (1 of 4 stars). 5 submissions from 5 submitters: Uncertain significance (1); Likely benign (4). Last evaluated 2025-11-03.

Conditions:
Developmental and epileptic encephalopathy, 5 (DEE5). Identifiers: Orphanet 3451, MedGen C3150731, MONDO:0013277, OMIM 613477.
Early-infantile DEE. Also called: Early infantile epileptic encephalopathy with suppression bursts; Early infantile epileptic encephalopathy; Ohtahara syndrome. Identifiers: Orphanet 1934, MedGen C0393706, MONDO:0800491.
Inborn genetic diseases. Identifiers: MedGen C0950123, MeSH D030342.

Allele frequency attached by ClinVar (database versions not stated): gnomAD 0.00002 and 0.00003; TOPMed 0.00004; gnomAD exomes 0.00006; ExAC 0.00007.
gnomAD v4.1: 92 of 1,613,914 alleles (0.0057%); highest among the groups gnomAD compares: East Asian, 0.016%; no homozygotes.

Submissions (5):

Labcorp Genetics (formerly Invitae), Labcorp
Classification: Likely benign for Early-infantile DEE. Last evaluated: 2025-11-03. Review status: criteria provided, single submitter. Criteria: Invitae Variant Classification Sherloc (09022015). Collection method: clinical testing. Allele origin: germline.

Ambry Genetics
Classification: Likely benign for Inborn genetic diseases. Last evaluated: 2025-01-15. Review status: criteria provided, single submitter. Criteria: Ambry Variant Classification Scheme 2023. Collection method: clinical testing. Allele origin: germline.

CeGaT Center for Human Genetics Tuebingen
Classification: Likely benign. Last evaluated: 2025-01-01. Review status: criteria provided, single submitter. Criteria: CeGaT Center For Human Genetics Tuebingen Variant Classification Criteria Version 2. Collection method: clinical testing. Allele origin: germline. Affected: yes. Observed: 3 variant alleles.
Comment: SPTAN1: BP4, BP7

Genome-Nilou Lab
Classification: Likely benign for Developmental and epileptic encephalopathy, 5. Last evaluated: 2021-07-15. Review status: criteria provided, single submitter. Criteria: ACMG Guidelines, 2015. Collection method: clinical testing. Allele origin: germline. Affected: no.

Eurofins Ntd Llc (ga)
Classification: Uncertain significance. Last evaluated: 2016-10-13. Review status: criteria provided, single submitter. Criteria: EGL Classification Definitions 2015. Collection method: clinical testing. Allele origin: germline. Observed: 1 variant allele, 1 heterozygote.

NM_001130438.3(SPTAN1):c.7395C>T (p.Phe2465=)

Gene: SPTAN1 (spectrin alpha, non-erythrocytic 1; plus strand). Cytogenetic location: 9q34.11.
Variant type: single nucleotide variant.
Coding change: c.7395C>T on transcript NM_001130438.3 (MANE Select); coding-DNA position 7395, C replaced by T.
Protein change: p.Phe2465=; no amino-acid change (phenylalanine 2465 retained).
Molecular consequence: synonymous variant.
Genome position (GRCh38, 1-based): chr9:128,633,295, C>T. VCF-style: chr9-128633295-C-T. GRCh37 (hg19) VCF-style: chr9-131395574-C-T.
Other names: c.7320C>T, p.Phe2440= (NM_001195532.2); c.7458C>T, p.Phe2486= (NM_001363759.2); c.7335C>T, p.Phe2445= (NM_001363765.2); c.7380C>T, p.Phe2460= (NM_003127.4); c.7395C>T (NM_001130438.2).
Identifiers: ClinVar variation 497418 (VCV000497418.59), dbSNP rs752878085, ClinGen allele CA5266102.